The following is an entry in ClinVar:

NM_003000.3(SDHB):c.188T>A (p.Val63Asp)

Gene: SDHB (succinate dehydrogenase complex iron sulfur subunit B; minus strand). Cytogenetic location: 1p36.13.
Variant type: single nucleotide variant.
Coding change: c.188T>A on transcript NM_003000.3 (MANE Select); coding-DNA position 188, T replaced by A.
Protein change: p.Val63Asp; replaces valine 63 with aspartic acid.
Molecular consequence: missense variant.
Genome position (GRCh38, 1-based): chr1:17,044,773, A>T on the plus strand (T>A on the coding strand, the complement: SDHB is on the minus strand). VCF-style: chr1-17044773-A-T. GRCh37 (hg19) VCF-style: chr1-17371268-A-T.
Other names: c.188T>A, p.Val63Asp (NM_001407361.1); short protein forms V63D.
Identifiers: ClinVar variation 1714666 (VCV001714666.6), dbSNP rs1230335211, ClinGen allele CA338227734.

ClinVar aggregate classification (germline): Uncertain significance (1 of 4 stars; one submission).

Conditions:
Pheochromocytoma/paraganglioma syndrome 4. Also called: CAROTID BODY TUMORS AND MULTIPLE EXTRAADRENAL PHEOCHROMOCYTOMAS; PARAGANGLIOMA, FAMILIAL MALIGNANT; PARAGANGLIOMAS, HEREDITARY EXTRAADRENAL; PHEOCHROMOCYTOMA, FAMILIAL EXTRAADRENAL; SDHB-Related Hereditary Paraganglioma-Pheochromocytoma Syndrome; SDHB-Related Hereditary Paraganglioma-Pheochromocytoma Syndrome (Paragangliomas 4). Identifiers: Orphanet 29072, MedGen C1861848, MONDO:0007273, OMIM 115310.
Pheochromocytoma. Also called: MAX-Related Hereditary Paraganglioma-Pheochromocytoma Syndrome. Identifiers: Orphanet 29072, MedGen C0031511, MONDO:0008233, OMIM 171300, HP:0002666.
Gastrointestinal stromal tumor. Also called: Gastrointestinal stroma tumor; Gastrointestinal stromal tumor, somatic. Identifiers: Orphanet 44890, MedGen C0238198, MeSH D046152, MONDO:0011719, OMIM 606764, HP:0100723.

Submission:

Labcorp Genetics (formerly Invitae), Labcorp
Classification: Uncertain significance for Gastrointestinal stromal tumor; Pheochromocytoma/paraganglioma syndrome 4; Pheochromocytoma. Last evaluated: 2022-09-14. Review status: criteria provided, single submitter. Criteria: Invitae Variant Classification Sherloc (09022015). Collection method: clinical testing. Allele origin: germline.
Comment: This variant is not present in population databases (gnomAD no frequency). In summary, the available evidence is currently insufficient to determine the role of this variant in disease. Therefore, it has been classified as a Variant of Uncertain Significance. Advanced modeling of protein sequence and biophysical properties (such as structural, functional, and spatial information, amino acid conservation, physicochemical variation, residue mobility, and thermodynamic stability) performed at Invitae indicates that this missense variant is expected to disrupt SDHB protein function. This variant has not been reported in the literature in individuals affected with SDHB-related conditions. This sequence change replaces valine, which is neutral and non-polar, with aspartic acid, which is acidic and polar, at codon 63 of the SDHB protein (p.Val63Asp).